The following is an entry in ClinVar:

NM_177438.3(DICER1):c.4607del (p.Gly1536fs)

Gene: DICER1 (dicer 1, ribonuclease III; minus strand). Cytogenetic location: 14q32.13.
Variant type: Deletion.
Coding change: c.4607del on transcript NM_177438.3 (MANE Select); coding-DNA position 4607, one base deleted (G; older notation c.4607delG).
Protein change: p.Gly1536fs; shifts the reading frame from glycine 1536.
Molecular consequence: frameshift variant. On other transcripts: non-coding transcript variant (6).
Genome position (GRCh38, 1-based): chr14:95,096,313, C deleted on the plus strand (G on the coding strand, the reverse complement: DICER1 is on the minus strand); the first of 2 consecutive C bases (chr14:95,096,313-95,096,314); deleting either gives the same sequence. VCF-style (leftmost placement, unchanged base first): chr14-95096312-AC-A. GRCh37 (hg19) VCF-style: chr14-95562649-AC-A.
Other names: c.4607del, p.Gly1536fs (NM_001395679.1, NM_001395680.1, NM_001395682.1 and 12 more transcripts); c.4325del, p.Gly1442fs (NM_001395686.1); c.4202del, p.Gly1401fs (NM_001395687.1, NM_001395688.1, NM_001395689.1 and 2 more transcripts); c.4040del, p.Gly1347fs (NM_001395691.1); c.2924del, p.Gly975fs (NM_001395697.1); short protein forms G1401fs, G1347fs, G1536fs, G1442fs, G975fs.
Identifiers: ClinVar variation 4717492 (VCV004717492.1).
Genomic context (GRCh38, chr14:95,096,312, plus strand): 5'-GTCAGCAATACACTGCTCAGTGTGCAAGTCGTAAGAAATGGACTGCTTTCCCGTGTCAAC[AC>A]CACAGTTTTCTTCTGATGGATTCCAGAACCCCACCACAAAGTCATCTTCTTCAACAGCTT-3'

ClinVar aggregate classification (germline): Pathogenic (1 of 4 stars; one submission).

Conditions:
DICER1-related tumor predisposition. Also called: DICER1 syndrome; DICER1-related pleuropulmonary blastoma cancer predisposition syndrome. Identifiers: Orphanet 284343, MedGen C3839822, MONDO:0100216.

Submission:

Labcorp Genetics (formerly Invitae), Labcorp
Classification: Pathogenic for DICER1-related tumor predisposition. Last evaluated: 2025-04-14. Review status: criteria provided, single submitter. Criteria: Invitae Variant Classification Sherloc (09022015). Collection method: clinical testing. Allele origin: germline.
Comment: This sequence change creates a premature translational stop signal (p.Gly1536Valfs*24) in the DICER1 gene. It is expected to result in an absent or disrupted protein product. Loss-of-function variants in DICER1 are known to be pathogenic (PMID: 19556464, 21266384). This variant is not present in population databases (gnomAD no frequency). This variant has not been reported in the literature in individuals affected with DICER1-related conditions. For these reasons, this variant has been classified as Pathogenic.

Literature cited by the submitters: PubMed 19556464; PubMed 21266384.